The following is an entry in ClinVar:

NM_005149.3(TBX19):c.624G>T (p.Lys208Asn)

Gene: TBX19 (T-box transcription factor 19; plus strand). Cytogenetic location: 1q24.2.
Variant type: single nucleotide variant.
Coding change: c.624G>T on transcript NM_005149.3 (MANE Select); coding-DNA position 624, G replaced by T.
Protein change: p.Lys208Asn; replaces lysine 208 with asparagine.
Molecular consequence: missense variant.
Genome position (GRCh38, 1-based): chr1:168,297,744, G>T. VCF-style: chr1-168297744-G-T. GRCh37 (hg19) VCF-style: chr1-168266982-G-T.
Other names: short protein forms K208N.
Identifiers: ClinVar variation 2022910 (VCV002022910.4), dbSNP rs2525836317, ClinGen allele CA343194993.
Genomic context (GRCh38, chr1:168,297,744, plus strand): 5'-TCCTACTTTTACTAACACTTCTTGTCTTTGTAAATGCAAGATAACGGCTCTCAAAATCAA[G>T]TACAATCCTTTTGCCAAAGCCTTCTTGGATGCCAAGGAAAGGTAAGTAAAGAAATTTTAG-3'
Protein context (NP_005140.1, residues 198-218): QNEEITALKI[Lys208Asn]YNPFAKAFLD

ClinVar aggregate classification (germline): Uncertain significance (1 of 4 stars; one submission).

Submission:

Labcorp Genetics (formerly Invitae), Labcorp
Classification: Uncertain significance. Last evaluated: 2022-08-09. Review status: criteria provided, single submitter. Criteria: Invitae Variant Classification Sherloc (09022015). Collection method: clinical testing. Allele origin: germline.
Comment: In summary, the available evidence is currently insufficient to determine the role of this variant in disease. Therefore, it has been classified as a Variant of Uncertain Significance. Algorithms developed to predict the effect of missense changes on protein structure and function (SIFT, PolyPhen-2, Align-GVGD) all suggest that this variant is likely to be disruptive. This variant has not been reported in the literature in individuals affected with TBX19-related conditions. This variant is not present in population databases (gnomAD no frequency). This sequence change replaces lysine, which is basic and polar, with asparagine, which is neutral and polar, at codon 208 of the TBX19 protein (p.Lys208Asn).